The following is an entry in ClinVar:

NM_000361.3(THBD):c.1669C>T (p.Pro557Ser)

Gene: THBD (thrombomodulin; minus strand). Cytogenetic location: 20p11.21.
Variant type: single nucleotide variant.
Coding change: c.1669C>T on transcript NM_000361.3 (MANE Select); coding-DNA position 1669, C replaced by T.
Protein change: p.Pro557Ser; replaces proline 557 with serine.
Molecular consequence: missense variant.
Genome position (GRCh38, 1-based): chr20:23,047,836, G>A on the plus strand (C>T on the coding strand, the complement: THBD is on the minus strand). VCF-style: chr20-23047836-G-A. GRCh37 (hg19) VCF-style: chr20-23028473-G-A.
Other names: short protein forms P557S.
Identifiers: ClinVar variation 2102328 (VCV002102328.4), dbSNP rs143625916, ClinGen allele CA408405050.

ClinVar aggregate classification (germline): Uncertain significance (1 of 4 stars; one submission).

Submission:

Labcorp Genetics (formerly Invitae), Labcorp
Classification: Uncertain significance. Last evaluated: 2022-02-23. Review status: criteria provided, single submitter. Criteria: Invitae Variant Classification Sherloc (09022015). Collection method: clinical testing. Allele origin: germline.
Comment: This variant is not present in population databases (gnomAD no frequency). In summary, the available evidence is currently insufficient to determine the role of this variant in disease. Therefore, it has been classified as a Variant of Uncertain Significance. Algorithms developed to predict the effect of missense changes on protein structure and function output the following: SIFT: "Tolerated"; PolyPhen-2: "Possibly Damaging"; Align-GVGD: "Class C0". The serine amino acid residue is found in multiple mammalian species, which suggests that this missense change does not adversely affect protein function. This variant has not been reported in the literature in individuals affected with THBD-related conditions. This sequence change replaces proline, which is neutral and non-polar, with serine, which is neutral and polar, at codon 557 of the THBD protein (p.Pro557Ser).